The following is an entry in ClinVar:

NM_022168.4(IFIH1):c.1388T>G (p.Met463Arg)

Gene: IFIH1 (interferon induced with helicase C domain 1; minus strand). Cytogenetic location: 2q24.2.
Variant type: single nucleotide variant.
Coding change: c.1388T>G on transcript NM_022168.4 (MANE Select); coding-DNA position 1388, T replaced by G.
Protein change: p.Met463Arg; replaces methionine 463 with arginine.
Molecular consequence: missense variant.
Genome position (GRCh38, 1-based): chr2:162,281,464, A>C on the plus strand (T>G on the coding strand, the complement: IFIH1 is on the minus strand). VCF-style: chr2-162281464-A-C. GRCh37 (hg19) VCF-style: chr2-163137974-A-C.
Other names: short protein forms M463R.
Identifiers: ClinVar variation 2947179 (VCV002947179.3), dbSNP rs1181270642, ClinGen allele CA349002441.

ClinVar aggregate classification (germline): Uncertain significance (1 of 4 stars; one submission).

Conditions:
Aicardi-Goutieres syndrome 7 (AGS7). Identifiers: Orphanet 51, MedGen C3888244, MONDO:0014367, OMIM 615846.
Singleton-Merten syndrome 1 (SGMRT1). Also called: Widened medullary cavities of bone, aortic calcification, abnormal dentition, and muscular weakness; Syndrome of widened medullary cavities of the metacarpals and phalanges, aortic calcification and abnormal dentition. Identifiers: Orphanet 85191, MedGen C4225427, MONDO:0024535, OMIM 182250.

Allele frequency attached by ClinVar (database versions not stated): gnomAD 0.00001; TOPMed 0.00002; gnomAD exomes 0.00001.
gnomAD v4.1: 5 of 1,612,272 alleles (0.00031%); highest among the groups gnomAD compares: African/African-American, 0.0067%; no homozygotes.

Submission:

Labcorp Genetics (formerly Invitae), Labcorp
Classification: Uncertain significance for Aicardi-Goutieres syndrome 7; Singleton-Merten syndrome 1. Last evaluated: 2026-01-28. Review status: criteria provided, single submitter. Criteria: Invitae Variant Classification Sherloc (09022015). Collection method: clinical testing. Allele origin: germline.
Comment: This sequence change replaces methionine, which is neutral and non-polar, with arginine, which is basic and polar, at codon 463 of the IFIH1 protein (p.Met463Arg). This variant is present in population databases (no rsID available, gnomAD 0.01%). This variant has not been reported in the literature in individuals affected with IFIH1-related conditions. ClinVar contains an entry for this variant (Variation ID: 2947179). Invitae Evidence Modeling of protein sequence and biophysical properties (such as structural, functional, and spatial information, amino acid conservation, physicochemical variation, residue mobility, and thermodynamic stability) has been performed for this missense variant. However, the output from this modeling did not meet the statistical confidence thresholds required to predict the impact of this variant on IFIH1 protein function. In summary, the available evidence is currently insufficient to determine the role of this variant in disease. Therefore, it has been classified as a Variant of Uncertain Significance.